The following is an entry in ClinVar:

NM_170784.3(MKKS):c.744A>T (p.Leu248Phe)

Gene: MKKS (MKKS centrosomal shuttling protein; minus strand). Cytogenetic location: 20p12.2.
Variant type: single nucleotide variant.
Coding change: c.744A>T on transcript NM_170784.3 (MANE Select); coding-DNA position 744, A replaced by T.
Protein change: p.Leu248Phe; replaces leucine 248 with phenylalanine.
Molecular consequence: missense variant.
Genome position (GRCh38, 1-based): chr20:10,412,771, T>A on the plus strand (A>T on the coding strand, the complement: MKKS is on the minus strand). VCF-style: chr20-10412771-T-A. GRCh37 (hg19) VCF-style: chr20-10393419-T-A.
Other names: c.744A>T, p.Leu248Phe (NM_018848.3); short protein forms L248F.
Identifiers: ClinVar variation 1432211 (VCV001432211.8), dbSNP rs2122234451, ClinGen allele CA408232440.

ClinVar aggregate classification (germline): Uncertain significance (1 of 4 stars; one submission).

Conditions:
McKusick-Kaufman syndrome (MKKS). Also called: HYDROMETROCOLPOS SYNDROME; HYDROMETROCOLPOS, POSTAXIAL POLYDACTYLY, AND CONGENITAL HEART MALFORMATION. Identifiers: Orphanet 2473, MedGen C0948368, MONDO:0009367, OMIM 236700.
Bardet-Biedl syndrome (BBS). Identifiers: Orphanet 110, MedGen C0752166, MONDO:0015229.

Submission:

Labcorp Genetics (formerly Invitae), Labcorp
Classification: Uncertain significance for McKusick-Kaufman syndrome; Bardet-Biedl syndrome. Last evaluated: 2021-12-27. Review status: criteria provided, single submitter. Criteria: Invitae Variant Classification Sherloc (09022015). Collection method: clinical testing. Allele origin: germline.
Comment: This sequence change replaces leucine, which is neutral and non-polar, with phenylalanine, which is neutral and non-polar, at codon 248 of the MKKS protein (p.Leu248Phe). This variant is not present in population databases (gnomAD no frequency). This variant has not been reported in the literature in individuals affected with MKKS-related conditions. Algorithms developed to predict the effect of missense changes on protein structure and function are either unavailable or do not agree on the potential impact of this missense change (SIFT: "Deleterious"; PolyPhen-2: "Probably Damaging"; Align-GVGD: "Class C0"). In summary, the available evidence is currently insufficient to determine the role of this variant in disease. Therefore, it has been classified as a Variant of Uncertain Significance.